The following is an entry in ClinVar:

NM_003388.5(CLIP2):c.477C>T (p.His159=)

Gene: CLIP2 (CAP-Gly domain containing linker protein 2; plus strand). Cytogenetic location: 7q11.23.
Variant type: single nucleotide variant.
Coding change: c.477C>T on transcript NM_003388.5 (MANE Select); coding-DNA position 477, C replaced by T.
Protein change: p.His159=; no amino-acid change (histidine 159 retained).
Molecular consequence: synonymous variant.
Genome position (GRCh38, 1-based): chr7:74,338,803, C>T. VCF-style: chr7-74338803-C-T. GRCh37 (hg19) VCF-style: chr7-73753133-C-T.
Other names: c.477C>T, p.His159= (NM_032421.3).
Identifiers: ClinVar variation 790596 (VCV000790596.28), dbSNP rs111609508, ClinGen allele CA4295456.
Genomic context (GRCh38, chr7:74,338,803, plus strand): 5'-CACGCGGCCCTCCAAGCTGACCCGGCAGCCCACGGCCGAGGGCTCGGGGAGTGATGCCCA[C>T]TCCGTGGAGTCGCTGACTGCCCAGAACCTGTCATTGCATTCGGGCACGGCCACGCCCCCG-3'
Protein context (NP_003379.4, residues 149-169): PTAEGSGSDA[His159=]SVESLTAQNL

ClinVar aggregate classification (germline): Benign/Likely benign. Review status: criteria provided, multiple submitters, no conflicts (2 of 4 stars). 3 submissions from 3 submitters: Benign (2); Likely benign (1). Last evaluated 2026-05-01.

Allele frequency attached by ClinVar (database versions not stated): gnomAD exomes 0.00122 and 0.00198; ExAC 0.00215; 1000 Genomes Project 0.00439; 1000 Genomes Project 30x 0.00453; gnomAD 0.00455 and 0.00478; ESP Exome Variant Server 0.00485; TOPMed 0.00533.
gnomAD v4.1: 2,615 of 1,611,308 alleles (0.16%); highest among the groups gnomAD compares: African/African-American, 1.3%; 11 homozygotes.

Submissions (3):

CeGaT Center for Human Genetics Tuebingen
Classification: Likely benign. Last evaluated: 2026-05-01. Review status: criteria provided, single submitter. Criteria: CeGaT Center For Human Genetics Tuebingen Variant Classification Criteria Version 2. Collection method: clinical testing. Allele origin: germline. Affected: yes. Observed: 4 variant alleles.
Comment: CLIP2: BP4, BS1

Labcorp Genetics (formerly Invitae), Labcorp
Classification: Benign. Last evaluated: 2018-04-05. Review status: criteria provided, single submitter. Criteria: Invitae Variant Classification Sherloc (09022015). Collection method: clinical testing. Allele origin: germline.

Breakthrough Genomics
Classification: Benign. Review status: criteria provided, single submitter. Criteria: ACMG Guidelines, 2015. Collection method: not provided. Allele origin: germline. Inheritance: Unknown mechanism. Affected: yes.